The following is an entry in ClinVar:

NM_005802.5(TOPORS):c.1666A>T (p.Ile556Phe)

Gene: TOPORS (TOP1 binding arginine/serine rich protein, E3 ubiquitin ligase; minus strand). Cytogenetic location: 9p21.1.
Variant type: single nucleotide variant.
Coding change: c.1666A>T on transcript NM_005802.5 (MANE Select); coding-DNA position 1666, A replaced by T.
Protein change: p.Ile556Phe; replaces isoleucine 556 with phenylalanine.
Molecular consequence: missense variant.
Genome position (GRCh38, 1-based): chr9:32,542,859, T>A on the plus strand (A>T on the coding strand, the complement: TOPORS is on the minus strand). VCF-style: chr9-32542859-T-A. GRCh37 (hg19) VCF-style: chr9-32542857-T-A.
Other names: c.1471A>T, p.Ile491Phe (NM_001195622.2); short protein forms I491F, I556F.
Identifiers: ClinVar variation 2769900 (VCV002769900.3), dbSNP rs1563983818, ClinGen allele CA373168833.

ClinVar aggregate classification (germline): Uncertain significance (1 of 4 stars; one submission).

Submission:

Labcorp Genetics (formerly Invitae), Labcorp
Classification: Uncertain significance. Last evaluated: 2023-12-12. Review status: criteria provided, single submitter. Criteria: Invitae Variant Classification Sherloc (09022015). Collection method: clinical testing. Allele origin: germline.
Comment: This sequence change replaces isoleucine, which is neutral and non-polar, with phenylalanine, which is neutral and non-polar, at codon 556 of the TOPORS protein (p.Ile556Phe). This variant is not present in population databases (gnomAD no frequency). This variant has not been reported in the literature in individuals affected with TOPORS-related conditions. An algorithm developed to predict the effect of missense changes on protein structure and function (PolyPhen-2) suggests that this variant is likely to be disruptive. In summary, the available evidence is currently insufficient to determine the role of this variant in disease. Therefore, it has been classified as a Variant of Uncertain Significance.